The following is an entry in ClinVar:

ClinVar aggregate classification (germline): Likely benign. Review status: criteria provided, multiple submitters, no conflicts (2 of 4 stars). 2 submissions from 2 submitters: Likely benign (2). Last evaluated 2025-12-09.

Conditions:
Hypertrophic cardiomyopathy 14. Identifiers: MedGen C2750467, MONDO:0013197, OMIM 613251.

Allele frequency attached by ClinVar (database versions not stated): gnomAD exomes below 0.00001; gnomAD 0.00001; TOPMed 0.00002.
gnomAD v4.1: 3 of 1,613,984 alleles (0.00019%); highest among the groups gnomAD compares: African/African-American, 0.004%; no homozygotes.

Submissions (2):

Labcorp Genetics (formerly Invitae), Labcorp
Classification: Likely benign for Hypertrophic cardiomyopathy 14. Last evaluated: 2025-12-09. Review status: criteria provided, single submitter. Criteria: Invitae Variant Classification Sherloc (09022015). Collection method: clinical testing. Allele origin: germline.

GeneDx
Classification: Likely benign. Last evaluated: 2016-10-24. Review status: criteria provided, single submitter. Criteria: GeneDx Variant Classification (06012015). Collection method: clinical testing. Allele origin: germline. Affected: yes.
Comment: This variant is considered likely benign or benign based on one or more of the following criteria: it is a conservative change, it occurs at a poorly conserved position in the protein, it is predicted to be benign by multiple in silico algorithms, and/or has population frequency not consistent with disease.

NM_002471.4(MYH6):c.3860-12T>C

Gene: MYH6 (myosin heavy chain 6; minus strand). Cytogenetic location: 14q11.2.
Variant type: single nucleotide variant.
Coding change: c.3860-12T>C on transcript NM_002471.4 (MANE Select); 12 bases into the intron before coding-DNA position 3860, T replaced by C.
Molecular consequence: intron variant.
Genome position (GRCh38, 1-based): chr14:23,389,523, A>G on the plus strand (T>C on the coding strand, the complement: MYH6 is on the minus strand). VCF-style: chr14-23389523-A-G. GRCh37 (hg19) VCF-style: chr14-23858732-A-G.
Identifiers: ClinVar variation 390206 (VCV000390206.3), dbSNP rs937933268, ClinGen allele CA16606799.
Genomic context (GRCh38, chr14:23,389,523, plus strand): 5'-AGCTGCGAGATTAGCGCCTCCTTTTCCTCTAGCTGCCGGGCCAACTCTCCTGGAGGTGAA[A>G]TGAGGGGCTTGTGGGCCATTTCACAAGTCATGTCCTGCCCTAGGCAGGGGGTTGGTTAGG-3'